The following is an entry in ClinVar:

ClinVar aggregate classification (germline): Uncertain significance (1 of 4 stars; one submission).

gnomAD v4.1: 7 of 1,614,084 alleles (0.00043%); highest among the groups gnomAD compares: Non-Finnish European, 0.00051%; no homozygotes.

Submission:

GeneDx
Classification: Uncertain significance. Last evaluated: 2024-02-23. Review status: criteria provided, single submitter. Criteria: GeneDx Variant Classification Process June 2021. Collection method: clinical testing. Allele origin: germline. Affected: yes.
Comment: Not observed at significant frequency in large population cohorts (gnomAD); In silico analysis supports that this missense variant does not alter protein structure/function; Has not been previously published as pathogenic or benign to our knowledge

NM_004815.4(ARHGAP29):c.3630C>G (p.Asp1210Glu)

Gene: ARHGAP29 (Rho GTPase activating protein 29; minus strand). Cytogenetic location: 1p22.1.
Variant type: single nucleotide variant.
Coding change: c.3630C>G on transcript NM_004815.4 (MANE Select); coding-DNA position 3630, C replaced by G.
Protein change: p.Asp1210Glu; replaces aspartic acid 1210 with glutamic acid.
Molecular consequence: missense variant.
Genome position (GRCh38, 1-based): chr1:94,174,025, G>C on the plus strand (C>G on the coding strand, the complement: ARHGAP29 is on the minus strand). VCF-style: chr1-94174025-G-C. GRCh37 (hg19) VCF-style: chr1-94639581-G-C.
Other names: c.3630C>G, p.Asp1210Glu (NM_001328664.2); c.3438C>G, p.Asp1146Glu (NM_001328665.2, NM_001328667.2); c.3603C>G, p.Asp1201Glu (NM_001328666.2); short protein forms D1146E, D1201E, D1210E.
Identifiers: ClinVar variation 3369721 (VCV003369721.1).